The following is an entry in ClinVar:

NM_002838.5(PTPRC):c.685+1G>A

Gene: PTPRC (protein tyrosine phosphatase receptor type C; plus strand). Cytogenetic location: 1q32.1.
Variant type: single nucleotide variant.
Coding change: c.685+1G>A on transcript NM_002838.5 (MANE Select); the canonical splice donor site of the intron after coding-DNA position 685, G replaced by A.
Molecular consequence: splice donor variant.
Genome position (GRCh38, 1-based): chr1:198,704,499, G>A. VCF-style: chr1-198704499-G-A. GRCh37 (hg19) VCF-style: chr1-198673628-G-A.
Other names: c.202+1G>A (NM_080921.4).
Identifiers: ClinVar variation 4715781 (VCV004715781.1).

ClinVar aggregate classification (germline): Likely pathogenic (1 of 4 stars; one submission).

Conditions:
Immunodeficiency 104. Also called: SCID, AUTOSOMAL RECESSIVE, T CELL-NEGATIVE, B CELL-POSITIVE, NK CELL-POSITIVE; Severe combined immunodeficiency, autosomal recessive, T cell-negative, B cell-positive, NK cell-positive; Severe Combined Immune Deficiency, Autosomal Recessive, TCell -Negative, B Cell-Positive, NK Cell-Positive, IL7R-Related; IMMUNODEFICIENCY 104, SEVERE COMBINED. Identifiers: MedGen C5676890, MONDO:0012163, OMIM 608971.

Submission:

Labcorp Genetics (formerly Invitae), Labcorp
Classification: Likely pathogenic for Immunodeficiency 104. Last evaluated: 2025-03-23. Review status: criteria provided, single submitter. Criteria: Invitae Variant Classification Sherloc (09022015). Collection method: clinical testing. Allele origin: germline.
Comment: This sequence change affects a donor splice site in intron 8 of the PTPRC gene. It is expected to disrupt RNA splicing. Variants that disrupt the donor or acceptor splice site typically lead to a loss of protein function (PMID: 16199547), and loss-of-function variants in PTPRC are known to be pathogenic (PMID: 10700239). This variant is not present in population databases (gnomAD no frequency). This variant has not been reported in the literature in individuals affected with PTPRC-related conditions. Algorithms developed to predict the effect of sequence changes on RNA splicing suggest that this variant may disrupt the consensus splice site. In summary, the currently available evidence indicates that the variant is pathogenic, but additional data are needed to prove that conclusively. Therefore, this variant has been classified as Likely Pathogenic.

Literature cited by the submitters: PubMed 16199547; PubMed 10700239.